The following is an entry in ClinVar:

ClinVar aggregate classification (germline): Uncertain significance. Review status: criteria provided, multiple submitters, no conflicts (2 of 4 stars). 2 submissions from 2 submitters: Uncertain significance (2). Last evaluated 2025-06-23.

Conditions:
Inborn genetic diseases. Identifiers: MedGen C0950123, MeSH D030342.
DOCK2 deficiency. Also called: Immunodeficiency 40. Identifiers: Orphanet 447737, MedGen C4225328, MONDO:0014637, OMIM 616433.

Allele frequency attached by ClinVar (database versions not stated): ExAC 0.00002; TOPMed 0.00002; gnomAD 0.00004 and 0.00005; gnomAD exomes 0.00004.
gnomAD v4.1: 99 of 1,613,876 alleles (0.0061%); highest among the groups gnomAD compares: Non-Finnish European, 0.008%; no homozygotes.

Submissions (2):

Ambry Genetics
Classification: Uncertain significance for Inborn genetic diseases. Last evaluated: 2025-06-23. Review status: criteria provided, single submitter. Criteria: Ambry Variant Classification Scheme 2023. Collection method: clinical testing. Allele origin: germline.

Labcorp Genetics (formerly Invitae), Labcorp
Classification: Uncertain significance for DOCK2 deficiency. Last evaluated: 2022-08-19. Review status: criteria provided, single submitter. Criteria: Invitae Variant Classification Sherloc (09022015). Collection method: clinical testing. Allele origin: germline.
Comment: This sequence change replaces aspartic acid, which is acidic and polar, with asparagine, which is neutral and polar, at codon 1113 of the DOCK2 protein (p.Asp1113Asn). This variant is present in population databases (rs557824061, gnomAD 0.008%). This variant has not been reported in the literature in individuals affected with DOCK2-related conditions. ClinVar contains an entry for this variant (Variation ID: 574921). Algorithms developed to predict the effect of missense changes on protein structure and function are either unavailable or do not agree on the potential impact of this missense change (SIFT: "Tolerated"; PolyPhen-2: "Possibly Damaging"; Align-GVGD: "Class C0"). In summary, the available evidence is currently insufficient to determine the role of this variant in disease. Therefore, it has been classified as a Variant of Uncertain Significance.

NM_004946.3(DOCK2):c.3337G>A (p.Asp1113Asn)

Gene: DOCK2 (dedicator of cytokinesis 2; plus strand). Cytogenetic location: 5q35.1.
Variant type: single nucleotide variant.
Coding change: c.3337G>A on transcript NM_004946.3 (MANE Select); coding-DNA position 3337, G replaced by A.
Protein change: p.Asp1113Asn; replaces aspartic acid 1113 with asparagine.
Molecular consequence: missense variant. On other transcripts: non-coding transcript variant (1).
Genome position (GRCh38, 1-based): chr5:170,019,064, G>A. VCF-style: chr5-170019064-G-A. GRCh37 (hg19) VCF-style: chr5-169446068-G-A.
Other names: c.3337G>A, p.Asp1113Asn (LRG_1227t1); short protein forms D1113N.
Identifiers: ClinVar variation 574921 (VCV000574921.10), dbSNP rs557824061, ClinGen allele CA3554174.